The following is an entry in ClinVar:

NM_020745.4(AARS2):c.2681C>A (p.Ser894Ter)

Genes: POLR1C (RNA polymerase I and III subunit C; plus strand), AARS2 (alanyl-tRNA synthetase 2, mitochondrial; minus strand). Cytogenetic location: 6p21.1.
Variant type: single nucleotide variant.
Coding change: c.2681C>A on transcript NM_020745.4 (MANE Select); coding-DNA position 2681, C replaced by A.
Protein change: p.Ser894Ter; replaces serine 894 with a stop codon.
Molecular consequence: nonsense.
Genome position (GRCh38, 1-based): chr6:44,301,382, G>T on the plus strand (C>A on the coding strand, the complement: AARS2 is on the minus strand). VCF-style: chr6-44301382-G-T. GRCh37 (hg19) VCF-style: chr6-44269119-G-T.
Other names: p.S894*:TCA>TAA; short protein forms S894*.
Identifiers: ClinVar variation 213960 (VCV000213960.1), dbSNP rs200781477, ClinGen allele CA324938.

ClinVar aggregate classification (germline): Pathogenic (1 of 4 stars; one submission).

Submission:

GeneDx
Classification: Pathogenic. Last evaluated: 2014-02-10. Review status: criteria provided, single submitter. Criteria: GeneDx Variant Classification (06012015). Collection method: clinical testing. Allele origin: germline. Affected: yes.
Comment: This mutation is denoted c.2681 C>A at the cDNA level; p.Ser894Stop (S894X) at the protein level. The substitution is a C>A, resulting in the replacement of a Serine codon (TCA) with a Stop codon (TAA) at amino acid position 894. The S894X nonsense mutation in the AARS2 gene is predicted to cause loss of normal protein function either through premature protein truncation or nonsense-mediated mRNA decay. Although this mutation has not been reported previously to our knowledge, it is expected to be a pathogenic mutation. The variant is found in AARS2 panel(s).